The following is an entry in ClinVar:

ClinVar aggregate classification (germline): Uncertain significance (1 of 4 stars; one submission).

Conditions:
Renal cell carcinoma. Identifiers: Orphanet 217071, MedGen C0007134, MeSH D002292, MONDO:0005086, HP:0005584.

Submission:

Labcorp Genetics (formerly Invitae), Labcorp
Classification: Uncertain significance for Renal cell carcinoma. Last evaluated: 2019-12-08. Review status: criteria provided, single submitter. Criteria: Invitae Variant Classification Sherloc (09022015). Collection method: clinical testing. Allele origin: germline.
Comment: This variant is present in population databases (rs779724665, ExAC 0.002%). This variant has not been reported in the literature in individuals with MET-related conditions. Algorithms developed to predict the effect of missense changes on protein structure and function (SIFT, PolyPhen-2, Align-GVGD) all suggest that this variant is likely to be tolerated, but these predictions have not been confirmed by published functional studies and their clinical significance is uncertain. In summary, the available evidence is currently insufficient to determine the role of this variant in disease. Therefore, it has been classified as a Variant of Uncertain Significance. This sequence change replaces methionine with isoleucine at codon 362 of the MET protein (p.Met362Ile). The methionine residue is weakly conserved and there is a small physicochemical difference between methionine and isoleucine.

NM_000245.4(MET):c.1086G>C (p.Met362Ile)

Gene: MET (MET proto-oncogene, receptor tyrosine kinase; plus strand). Cytogenetic location: 7q31.2.
Variant type: single nucleotide variant.
Coding change: c.1086G>C on transcript NM_000245.4 (MANE Select); coding-DNA position 1086, G replaced by C.
Protein change: p.Met362Ile; replaces methionine 362 with isoleucine.
Molecular consequence: missense variant. On other transcripts: intron variant (1).
Genome position (GRCh38, 1-based): chr7:116,700,170, G>C. VCF-style: chr7-116700170-G-C. GRCh37 (hg19) VCF-style: chr7-116340224-G-C.
Other names: c.1086G>C, p.Met362Ile (NM_001127500.3, NM_001324401.3); c.-91+27593G>C (NM_001324402.2); short protein forms M362I.
Identifiers: ClinVar variation 856034 (VCV000856034.9), dbSNP rs779724665, ClinGen allele CA4448066.